The following is an entry in ClinVar:

NM_006329.4(FBLN5):c.116A>G (p.Gln39Arg)

Gene: FBLN5 (fibulin 5; minus strand). Cytogenetic location: 14q32.12.
Variant type: single nucleotide variant.
Coding change: c.116A>G on transcript NM_006329.4 (MANE Select); coding-DNA position 116, A replaced by G.
Protein change: p.Gln39Arg; replaces glutamine 39 with arginine.
Molecular consequence: missense variant. On other transcripts: 5 prime UTR variant (2).
Genome position (GRCh38, 1-based): chr14:91,940,573, T>C on the plus strand (A>G on the coding strand, the complement: FBLN5 is on the minus strand). VCF-style: chr14-91940573-T-C. GRCh37 (hg19) VCF-style: chr14-92406917-T-C.
Other names: c.116A>G, p.Gln39Arg (NM_001384158.1, NM_001384160.1); c.167A>G, p.Gln56Arg (NM_001384159.1); c.-154A>G (NM_001384161.1, NM_001384162.1); short protein forms Q39R, Q56R.
Identifiers: ClinVar variation 2629089 (VCV002629089.2), dbSNP rs778085223, ClinGen allele CA7312952.
Genomic context (GRCh38, chr14:91,940,573, plus strand): 5'-GCAACTGGGCTGAATGCCTCCACCCCAATGAAGGATCCACAGTGGCTCATACCTAAACAC[T>C]GTCCTGACTGGCGATCCAGGTCAAAGCCATTCGTGCACTGTGCCTGCAGGGAAGGAGAGA-3'
Protein context (NP_006320.2, residues 29-49): NGFDLDRQSG[Gln39Arg]CLDIDECRTI

ClinVar aggregate classification (germline): Uncertain significance. Review status: criteria provided, multiple submitters, no conflicts (2 of 4 stars). 2 submissions from 2 submitters: Uncertain significance (2). Last evaluated 2025-09-24.

Conditions:
Inborn genetic diseases. Identifiers: MedGen C0950123, MeSH D030342.
FBLN5-related disorder. Also called: FBLN5-related condition.

Allele frequency attached by ClinVar (database versions not stated): gnomAD exomes 0.00001; TOPMed 0.00001; ExAC 0.00002.
gnomAD v4.1: 4 of 1,613,928 alleles (0.00025%); highest among the groups gnomAD compares: Admixed American, 0.0033%; no homozygotes.

Submissions (2):

Ambry Genetics
Classification: Uncertain significance for Inborn genetic diseases. Last evaluated: 2025-09-24. Review status: criteria provided, single submitter. Criteria: Ambry Variant Classification Scheme 2023. Collection method: clinical testing. Allele origin: germline.

PreventionGenetics, part of Exact Sciences
Classification: Uncertain significance for FBLN5-related condition. Last evaluated: 2022-11-08. Review status: criteria provided, single submitter. Criteria: ACMG Guidelines, 2015. Collection method: clinical testing. Allele origin: germline.
Comment: The FBLN5 c.116A>G variant is predicted to result in the amino acid substitution p.Gln39Arg. To our knowledge, this variant has not been reported in the literature. This variant is reported in 0.0058% of alleles in individuals of Latino descent in gnomAD. At this time, the clinical significance of this variant is uncertain due to the absence of conclusive functional and genetic evidence.